The following is an entry in ClinVar:

NM_005120.3(MED12):c.6177ACAGCAACAGCAGCAGCAGCAGCA[3] (p.Gln2076_Tyr2077insGlnGlnGlnGlnGlnGlnGlnGln)

Gene: MED12 (mediator complex subunit 12; plus strand). Cytogenetic location: Xq13.1.
Variant type: Microsatellite.
Coding change: c.6177ACAGCAACAGCAGCAGCAGCAGCA[3] on transcript NM_005120.3 (MANE Select); three copies in a row of the 24-base unit ACAGCAACAGCAGCAGCAGCAGCA starting at c.6177; the reference has two copies in a row; one copy, 24 bases duplicated.
Protein change: p.Gln2076_Tyr2077insGlnGlnGlnGlnGlnGlnGlnGln.
Genome position (GRCh38, 1-based): chrX:71,140,791-71,140,814, ACAGCAACAGCAGCAGCAGCAGCA duplicated; duplicating any 24 consecutive bases within chrX:71,140,759-71,140,814 gives the same sequence; the position shown is the placement nearest the transcript's 3' end. VCF-style (leftmost placement, unchanged base first): chrX-71140758-A-ACAGCAGCAACAGCAACAGCAGCAG. GRCh37 (hg19) VCF-style: chrX-70360608-A-ACAGCAGCAACAGCAACAGCAGCAG.
Other names: c.6201_6224dupACAGCAACAGCAGCAGCAGCAGCA (NM_005120.2).
Identifiers: ClinVar variation 3684682 (VCV003684682.3).
Genomic context (GRCh38, chrX:71,140,758, plus strand): 5'-GGGCGTCCAGGCAGGCGTCCGTTCAACAGCCATCCTACCTGAGCAGCAGCAGCAGCAGCA[A>ACAGCAGCAACAGCAACAGCAGCAG]CAGCAGCAACAGCAACAGCAGCAGCAGCAGCAACAGCAACAGCAGCAGCAGCAGCAGCAG-3'

ClinVar aggregate classification (germline): Uncertain significance. Review status: criteria provided, multiple submitters, no conflicts (2 of 4 stars). 2 submissions from 2 submitters: Uncertain significance (2). Last evaluated 2025-09-15.

Conditions:
FG syndrome (FGS). Identifiers: MedGen C0220769, MONDO:0002010.
Familial thoracic aortic aneurysm and aortic dissection (TAAD). Also called: Thoracic aortic aneurysms and dissections. Identifiers: Orphanet 91387, MedGen C4707243, MONDO:0019625.

Submissions (2):

Ambry Genetics
Classification: Uncertain significance for Familial thoracic aortic aneurysm and aortic dissection. Last evaluated: 2025-09-15. Review status: criteria provided, single submitter. Criteria: Ambry Variant Classification Scheme 2023. Collection method: clinical testing. Allele origin: germline.
Comment: The c.6201_6224dup24 variant (also known as p.Q2069_Q2076dup), located in coding exon 42 of the MED12 gene, results from an in-frame duplication of 24 nucleotides at nucleotide positions 6201 to 6224. This results in the duplication of 8 extra residues (QQQQQQQQ) between codons 2069 and 2076. In addition, this variant is predicted to be neutral by in silico analysis (Choi Y et al. PLoS ONE. 2012; 7(10):e46688). Based on the available evidence, the clinical significance of this variant remains unclear.

Labcorp Genetics (formerly Invitae), Labcorp
Classification: Uncertain significance for FG syndrome. Last evaluated: 2025-03-19. Review status: criteria provided, single submitter. Criteria: Invitae Variant Classification Sherloc (09022015). Collection method: clinical testing. Allele origin: germline.
Comment: This variant, c.6201_6224dup, results in the insertion of 8 amino acid(s) of the MED12 protein (p.Gln2069_Gln2076dup), but otherwise preserves the integrity of the reading frame. This variant is not present in population databases (gnomAD no frequency). This variant has not been reported in the literature in individuals affected with MED12-related conditions. In summary, the available evidence is currently insufficient to determine the role of this variant in disease. Therefore, it has been classified as a Variant of Uncertain Significance.